The following is an entry in ClinVar:

NM_001130438.3(SPTAN1):c.3171G>T (p.Lys1057Asn)

Gene: SPTAN1 (spectrin alpha, non-erythrocytic 1; plus strand). Cytogenetic location: 9q34.11.
Variant type: single nucleotide variant.
Coding change: c.3171G>T on transcript NM_001130438.3 (MANE Select); coding-DNA position 3171, G replaced by T.
Protein change: p.Lys1057Asn; replaces lysine 1057 with asparagine.
Molecular consequence: missense variant. On other transcripts: intron variant (3).
Genome position (GRCh38, 1-based): chr9:128,592,998, G>T. VCF-style: chr9-128592998-G-T. GRCh37 (hg19) VCF-style: chr9-131355277-G-T.
Other names: c.3171G>T, p.Lys1057Asn (NM_001363759.2, NM_001375310.1, NM_001375311.2 and 2 more transcripts); c.3207G>T, p.Lys1069Asn (NM_001375312.2, NM_001375318.1); c.3156-1177G>T (NM_001375314.2, NM_001363765.2, NM_001195532.2); short protein forms K1057N, K1069N.
Identifiers: ClinVar variation 1803352 (VCV001803352.2), dbSNP rs1194989472, ClinGen allele CA375061282.

ClinVar aggregate classification (germline): Uncertain significance (1 of 4 stars; one submission).

Allele frequency attached by ClinVar (database versions not stated): TOPMed below 0.00001.

Submission:

GeneDx
Classification: Uncertain significance. Last evaluated: 2024-09-12. Review status: criteria provided, single submitter. Criteria: GeneDx Variant Classification Process June 2021. Collection method: clinical testing. Allele origin: germline.
Comment: Not observed at significant frequency in large population cohorts (gnomAD); In silico analysis indicates that this missense variant does not alter protein structure/function; Has not been previously published as pathogenic or benign to our knowledge